The following is an entry in ClinVar:

ClinVar aggregate classification (germline): Uncertain significance. Review status: criteria provided, multiple submitters, no conflicts (2 of 4 stars). 3 submissions from 3 submitters: Uncertain significance (3). Last evaluated 2025-06-09.

Conditions:
Aortic aneurysm, familial thoracic 7 (AAT7). Also called: AORTIC DISSECTION, FAMILIAL, WITH OR WITHOUT AORTIC ANEURYSM. Identifiers: MedGen C3151077, MONDO:0013418, OMIM 613780.
Megacystis-microcolon-intestinal hypoperistalsis syndrome 1. Identifiers: MedGen C5542316, MONDO:0100354, OMIM 249210.
Familial thoracic aortic aneurysm and aortic dissection (TAAD). Also called: Thoracic aortic aneurysms and dissections. Identifiers: Orphanet 91387, MedGen C4707243, MONDO:0019625.

Allele frequency attached by ClinVar (database versions not stated): gnomAD 0.00001; gnomAD exomes 0.00001; TOPMed 0.00001.
gnomAD v4.1: 11 of 1,613,884 alleles (0.00068%); highest among the groups gnomAD compares: African/African-American, 0.0027%; no homozygotes.

Submissions (3):

Labcorp Genetics (formerly Invitae), Labcorp
Classification: Uncertain significance for Aortic aneurysm, familial thoracic 7. Last evaluated: 2025-06-09. Review status: criteria provided, single submitter. Criteria: Invitae Variant Classification Sherloc (09022015). Collection method: clinical testing. Allele origin: germline.
Comment: This sequence change replaces glutamic acid, which is acidic and polar, with lysine, which is basic and polar, at codon 1158 of the MYLK protein (p.Glu1158Lys). This variant is present in population databases (no rsID available, gnomAD 0.006%). This variant has not been reported in the literature in individuals affected with MYLK-related conditions. ClinVar contains an entry for this variant (Variation ID: 520010). Invitae Evidence Modeling of protein sequence and biophysical properties (such as structural, functional, and spatial information, amino acid conservation, physicochemical variation, residue mobility, and thermodynamic stability) indicates that this missense variant is not expected to disrupt MYLK protein function with a negative predictive value of 80%. In summary, the available evidence is currently insufficient to determine the role of this variant in disease. Therefore, it has been classified as a Variant of Uncertain Significance.

Fulgent Genetics
Classification: Uncertain significance for Megacystis-microcolon-intestinal hypoperistalsis syndrome 1; Aortic aneurysm, familial thoracic 7. Last evaluated: 2021-08-18. Review status: criteria provided, single submitter. Criteria: ACMG Guidelines, 2015. Collection method: clinical testing. Allele origin: unknown.

Ambry Genetics
Classification: Uncertain significance for Familial thoracic aortic aneurysm and aortic dissection. Last evaluated: 2017-05-23. Review status: criteria provided, single submitter. Criteria: Ambry Variant Classification Scheme 2023. Collection method: clinical testing. Allele origin: germline.
Comment: The p.E1158K variant (also known as c.3472G>A), located in coding exon 16 of the MYLK gene, results from a G to A substitution at nucleotide position 3472. The glutamic acid at codon 1158 is replaced by lysine, an amino acid with similar properties. This amino acid position is well conserved in available vertebrate species. In addition, this alteration is predicted to be tolerated by in silico analysis. Since supporting evidence is limited at this time, the clinical significance of this alteration remains unclear.

NM_053025.4(MYLK):c.3472G>A (p.Glu1158Lys)

Gene: MYLK (myosin light chain kinase; minus strand). Cytogenetic location: 3q21.1.
Variant type: single nucleotide variant.
Coding change: c.3472G>A on transcript NM_053025.4 (MANE Select); coding-DNA position 3472, G replaced by A.
Protein change: p.Glu1158Lys; replaces glutamic acid 1158 with lysine.
Molecular consequence: missense variant.
Genome position (GRCh38, 1-based): chr3:123,692,828, C>T on the plus strand (G>A on the coding strand, the complement: MYLK is on the minus strand). VCF-style: chr3-123692828-C-T. GRCh37 (hg19) VCF-style: chr3-123411675-C-T.
Other names: c.2944G>A, p.Glu982Lys (NM_001321309.2); c.3265G>A, p.Glu1089Lys (NM_053026.4, NM_053028.4); c.3472G>A, p.Glu1158Lys (NM_053027.4); short protein forms E1158K, E1089K, E982K.
Identifiers: ClinVar variation 520010 (VCV000520010.7), dbSNP rs867887039, ClinGen allele CA82940447.